The following is an entry in ClinVar:

NM_005732.4(RAD50):c.1794-3dup

Gene: RAD50 (RAD50 double strand break repair protein; plus strand). Cytogenetic location: 5q31.1.
Variant type: Duplication.
Coding change: c.1794-3dup on transcript NM_005732.4 (MANE Select); 3 bases into the intron before coding-DNA position 1794, one base duplicated (T; older notation c.1794-3dupT).
Molecular consequence: intron variant.
Genome position (GRCh38, 1-based): chr5:132,594,866, T duplicated; the last of 4 consecutive T bases (chr5:132,594,863-132,594,866); duplicating any one gives the same sequence. VCF-style (leftmost placement, unchanged base first): chr5-132594862-A-AT. GRCh37 (hg19) VCF-style: chr5-131930554-A-AT.
Identifiers: ClinVar variation 484666 (VCV000484666.15), dbSNP rs1554098578, ClinGen allele CA658657511.

ClinVar aggregate classification (germline): Conflicting classifications of pathogenicity. Review status: criteria provided, conflicting classifications (1 of 4 stars). 2 submissions from 2 submitters: Uncertain significance (1); Benign (1). Last evaluated 2023-05-28.

Conditions:
Hereditary cancer-predisposing syndrome. Also called: Neoplastic Syndromes, Hereditary; Tumor predisposition; Hereditary Cancer Syndrome; Hereditary neoplastic syndrome. Identifiers: Orphanet 140162, MedGen C0027672, MeSH D009386, MONDO:0015356.

Submissions (2):

Labcorp Genetics (formerly Invitae), Labcorp
Classification: Benign for Hereditary cancer-predisposing syndrome. Last evaluated: 2023-05-28. Review status: criteria provided, single submitter. Criteria: Invitae Variant Classification Sherloc (09022015). Collection method: clinical testing. Allele origin: germline.

Ambry Genetics
Classification: Uncertain significance for Hereditary cancer-predisposing syndrome. Last evaluated: 2016-08-24. Review status: criteria provided, single submitter. Criteria: Ambry Variant Classification Scheme 2023. Collection method: clinical testing. Allele origin: germline.
Comment: The c.1794-3dupT intronic variant, results from a duplication of two nucleotides at nucleotide position 1794 before intron 11 of the RAD50 gene. This nucleotide position is well conserved in available vertebrate species. In silico splice site analysis predicts that this alteration will not have any significant effect on splicing. Since supporting evidence is limited at this time, the clinical significance of this alteration remains unclear.